The following is an entry in ClinVar:

ClinVar aggregate classification (germline): Uncertain significance (1 of 4 stars; one submission).

Conditions:
Hereditary cancer-predisposing syndrome. Also called: Hereditary Cancer Syndrome; Hereditary neoplastic syndrome; Neoplastic Syndromes, Hereditary; Tumor predisposition. Identifiers: Orphanet 140162, MedGen C0027672, MeSH D009386, MONDO:0015356.

Submission:

Ambry Genetics
Classification: Uncertain significance for Hereditary cancer-predisposing syndrome. Last evaluated: 2025-05-16. Review status: criteria provided, single submitter. Criteria: Ambry Variant Classification Scheme 2023. Collection method: clinical testing. Allele origin: germline.
Comment: The p.I891N variant (also known as c.2672T>A), located in coding exon 4 of the MSH6 gene, results from a T to A substitution at nucleotide position 2672. The isoleucine at codon 891 is replaced by asparagine, an amino acid with dissimilar properties. This amino acid position is conserved. In addition, the in silico prediction for this alteration is inconclusive. Based on the available evidence, the clinical significance of this variant remains unclear.

NM_000179.3(MSH6):c.2672T>A (p.Ile891Asn)

Gene: MSH6 (mutS homolog 6; plus strand). Cytogenetic location: 2p16.3.
Variant type: single nucleotide variant.
Coding change: c.2672T>A on transcript NM_000179.3 (MANE Select); coding-DNA position 2672, T replaced by A.
Protein change: p.Ile891Asn; replaces isoleucine 891 with asparagine.
Molecular consequence: missense variant. On other transcripts: non-coding transcript variant (5), intron variant (3).
Genome position (GRCh38, 1-based): chr2:47,800,655, T>A. VCF-style: chr2-47800655-T-A. GRCh37 (hg19) VCF-style: chr2-48027794-T-A.
Other names: c.2282T>A, p.Ile761Asn (NM_001281492.2); c.1766T>A, p.Ile589Asn (NM_001281493.2, NM_001281494.2, NM_001406811.1 and 6 more transcripts); c.2768T>A, p.Ile923Asn (NM_001406795.1, NM_001406802.1); c.2672T>A, p.Ile891Asn (NM_001406796.1, NM_001406798.1, NM_001406800.1 and 2 more transcripts); c.2375T>A, p.Ile792Asn (NM_001406797.1, NM_001406801.1, NM_001406805.1 and 10 more transcripts); c.2147T>A, p.Ile716Asn (NM_001406799.1, NM_001406806.1, NM_001406807.1); c.2594T>A, p.Ile865Asn (NM_001406804.1); c.2678T>A, p.Ile893Asn (NM_001406813.1); and 4 more; short protein forms I835N, I865N, I923N, I792N, I891N, I716N, I893N, I589N.
Identifiers: ClinVar variation 3913736 (VCV003913736.1).
Genomic context (GRCh38, chr2:47,800,655, plus strand): 5'-TTATAGGGATCATGGAAGAAGTTGCTGATGGTTTTAAGTCTAAAATCCTTAAGCAGGTCA[T>A]CTCTCTGCAGACAAAAAATCCTGAAGGTCGTTTTCCTGATTTGACTGTAGAATTGAACCG-3'
Protein context (NP_000170.1, residues 881-901): GFKSKILKQV[Ile891Asn]SLQTKNPEGR